The following continues an entry in ClinVar:

NM_000059.4(BRCA2):c.2701del (p.Ala902fs)

Gene: BRCA2. ClinVar aggregate classification (germline): Pathogenic. Pathogenic (1).

Submissions 11 to 13 of 13:

Clinical and Functional Genomics Group, A.C.Camargo Cancer Center
Classification: Pathogenic for Hereditary Breast Carcinoma. Last evaluated: 2019-01-30. Review status: criteria provided, single submitter. Criteria: Submitter's publication. Collection method: research. Allele origin: germline. Affected: yes. Observed: 1 variant allele. Not counted in ClinVar's aggregate classification.

Consortium of Investigators of Modifiers of BRCA1/2 (CIMBA), c/o University of Cambridge
Classification: Pathogenic for Breast-ovarian cancer, familial, susceptibility to, 2. Last evaluated: 2015-10-02. Review status: criteria provided, single submitter. Criteria: CIMBA Mutation Classification guidelines May 2016. Collection method: clinical testing. Allele origin: germline. Not counted in ClinVar's aggregate classification.

GeneDx
Classification: Pathogenic for Familial cancer of breast. Last evaluated: 2013-12-18. Review status: criteria provided, single submitter. Criteria: GeneDx Variant Classification (06012015). Collection method: clinical testing. Allele origin: germline. Affected: yes. Not counted in ClinVar's aggregate classification.
Comment: This variant is denoted BRCA2 c.2701delC at the cDNA level and p.Ala902LeufsX2 (A902LfsX2) at the protein level. The normal sequence with the bases that are deleted in brackets is TAAT[delC]TTGC. The deletion causes a frameshift, changing an Alanine to a Leucine at codon 902, and creating a premature stop codon at position 2 of the new reading frame. This mutation is predicted to cause loss of normal protein function through either protein truncation or nonsense-mediated mRNA decay. BRCA2 c.2701delC, previously reported as 2929delC (p.L901fsX903), has been seen in association with breast and/or ovarian cancer (Miramar 2008, Beristain 2010) and is indicative of Hereditary Breast and Ovarian Cancer (HBOC) syndrome, an autosomal dominant condition that predisposes to breast and ovarian cancer as well as other cancers. The predominant BRCA2-related cancer risks for women who have not been diagnosed with cancer have been estimated as 41% - 84% lifetime risk for breast cancer and 11% - 27% lifetime risk for ovarian cancer (Ford 1998, Risch 2006). BRCA2 mutations have also been reported in women with fallopian tube carcinoma, primary peritoneal carcinoma, and uterine serous carcinoma (Levine 2003, Biron-Shental 2006). Women with BRCA1/2 mutations also have an increased risk for contralateral breast cancer. Women with BRCA mutations whose first cancer was diagnosed under age 40 have a 21-31% risk to develop a second breast cancer within 10 years and a 63% risk to develop a second breast cancer within 25 years. Women with BRCA mutations whose first cancer was diagnosed between ages 40 and 50 have an 11-13% risk to develop a second breast cancer within 10 years and a 44-49% risk within 25 years. Women with BRCA mutations whose first cancer was diagnosed after age 50 have an 8% risk to develop a second breast cancer within 10 years and a 20% risk within 25 years (Graeser 2009). Other cancer risks associated with a BRCA2 mutation include up to a 7% risk for pancreatic cancer (Ozcelik 1997, The Breast Cancer Linkage Consortium 1999), up to a 34% risk for prostate cancer in male carriers (Thompson 2001), and up to a 7% risk for male breast cancer (Liede 2004). The variant is found in BRCA1-BRCA2 panel(s).

Literature cited by the submitters: PubMed 20301425 (cited by Variantyx, Inc.); PubMed 18176857 (cited by 4 submitters); PubMed 22025144 (cited by 3 submitters); PubMed 2460208 (cited by Variantyx, Inc.); PubMed 23479189 (cited by 3 submitters); PubMed 24549055 (cited by 3 submitters); PubMed 26026974 (cited by 3 submitters); PubMed 28477318 (cited by 3 submitters); PubMed 28680148 (cited by 3 submitters); PubMed 22460208 (cited by Color Diagnostics, LLC DBA Color Health and Labcorp Genetics (formerly Invitae), Labcorp); PubMed 29446198 (cited by Color Diagnostics, LLC DBA Color Health and Women's Health and Genetics/Laboratory Corporation of America, LabCorp); PubMed 33471991 (cited by Color Diagnostics, LLC DBA Color Health); PubMed 20104584 (cited by Labcorp Genetics (formerly Invitae), Labcorp).